The following is an entry in ClinVar:

ClinVar aggregate classification (germline): Uncertain significance. Review status: criteria provided, multiple submitters, no conflicts (2 of 4 stars). 3 submissions from 3 submitters: Uncertain significance (3). Last evaluated 2024-01-29.

Conditions:
Hereditary cancer-predisposing syndrome. Also called: Hereditary neoplastic syndrome; Hereditary Cancer Syndrome; Tumor predisposition; Neoplastic Syndromes, Hereditary. Identifiers: Orphanet 140162, MedGen C0027672, MeSH D009386, MONDO:0015356.
Familial adenomatous polyposis 1 (FAP1). Also called: POLYPOSIS, ADENOMATOUS INTESTINAL; FAMILIAL ADENOMATOUS POLYPOSIS 1, ATTENUATED. Identifiers: MedGen C2713442, MONDO:0021056, OMIM 175100. Disease mechanism: loss of function.

Submissions (3):

Ambry Genetics
Classification: Uncertain significance for Hereditary cancer-predisposing syndrome. Last evaluated: 2024-01-29. Review status: criteria provided, single submitter. Criteria: Ambry Variant Classification Scheme 2023. Collection method: clinical testing. Allele origin: germline.
Comment: The p.Y1179D variant (also known as c.3535T>G), located in coding exon 15 of the APC gene, results from a T to G substitution at nucleotide position 3535. The tyrosine at codon 1179 is replaced by aspartic acid, an amino acid with highly dissimilar properties. This amino acid position is conserved. In addition, in silico predictors for this gene do not accurately predict pathogenicity. Based on the available evidence, the clinical significance of this alteration remains unclear.

Baylor Genetics
Classification: Uncertain significance for Familial adenomatous polyposis 1. Last evaluated: 2023-12-29. Review status: criteria provided, single submitter. Criteria: ACMG Guidelines, 2015. Collection method: clinical testing. Allele origin: unknown.

Quest Diagnostics Nichols Institute San Juan Capistrano
Classification: Uncertain significance. Last evaluated: 2017-05-01. Review status: criteria provided, single submitter. Criteria: Quest Diagnostics criteria. Collection method: clinical testing. Allele origin: germline.

NM_000038.6(APC):c.3535T>G (p.Tyr1179Asp)

Gene: APC (APC regulator of Wnt signaling pathway; plus strand). Cytogenetic location: 5q22.2.
Variant type: single nucleotide variant.
Coding change: c.3535T>G on transcript NM_000038.6 (MANE Select); coding-DNA position 3535, T replaced by G.
Protein change: p.Tyr1179Asp; replaces tyrosine 1179 with aspartic acid.
Molecular consequence: missense variant.
Genome position (GRCh38, 1-based): chr5:112,839,129, T>G. VCF-style: chr5-112839129-T-G. GRCh37 (hg19) VCF-style: chr5-112174826-T-G.
Other names: c.3535T>G, p.Tyr1179Asp (NM_001127510.3, NM_001354895.2); c.3481T>G, p.Tyr1161Asp (NM_001127511.3); c.3589T>G, p.Tyr1197Asp (NM_001354896.2); c.3565T>G, p.Tyr1189Asp (NM_001354897.2); c.3460T>G, p.Tyr1154Asp (NM_001354898.2); c.3451T>G, p.Tyr1151Asp (NM_001354899.2); c.3412T>G, p.Tyr1138Asp (NM_001354900.2); c.3358T>G, p.Tyr1120Asp (NM_001354901.2); and 5 more; short protein forms Y1161D, Y1179D, Y1120D, Y1154D, Y1053D, Y1078D, Y1138D, Y1151D.
Identifiers: ClinVar variation 438876 (VCV000438876.5), dbSNP rs751249843, ClinGen allele CA16029099.
Genomic context (GRCh38, chr5:112,839,129, plus strand): 5'-CCAACAAATTATAGCATAAAATATAATGAAGAGAAACGTCATGTGGATCAGCCTATTGAT[T>G]ATAGTTTAAAATATGCCACAGATATTCCTTCATCACAGAAACAGTCATTTTCATTCTCAA-3'
Protein context (NP_000029.2, residues 1169-1189): EKRHVDQPID[Tyr1179Asp]SLKYATDIPS